The following is an entry in ClinVar:

ClinVar aggregate classification (germline): Uncertain significance (0 of 4 stars; one submission).

Submission:

Department of Pathology and Laboratory Medicine, Sinai Health System
Classification: Uncertain significance. Review status: no assertion criteria provided. Collection method: clinical testing. Allele origin: unknown. Affected: yes. Study: The Canadian Open Genetics Repository (COGR).
Comment: The COL3A1 p.Ile1449Leu variant was not identified in the literature nor was it identified in dbSNP, ClinVar, Cosmic, LOVD 3.0 or in the following control databases: the 1000 Genomes Project, the NHLBI GO Exome Sequencing Project, the Exome Aggregation Consortium (August 8th 2016), or the Genome Aggregation Database (Feb 27, 2017). The variant occurs outside of the splicing consensus sequence and in silico or computational prediction software programs (SpliceSiteFinder, MaxEntScan, NNSPLICE, GeneSplicer) do not predict a difference in splicing. The p.Ile1449 residue is not conserved in mammals and four out of five computational analyses (PolyPhen-2, SIFT, AlignGVGD, BLOSUM) do not suggest a high likelihood of impact to the protein; however, this information is not predictive enough to rule out pathogenicity. In summary, based on the above information the clinical significance of this variant cannot be determined with certainty at this time. This variant is classified as a variant of uncertain significance.

NM_000090.4(COL3A1):c.4345A>C (p.Ile1449Leu)

Gene: COL3A1 (collagen type III alpha 1 chain; plus strand). Cytogenetic location: 2q32.2.
Variant type: single nucleotide variant.
Coding change: c.4345A>C on transcript NM_000090.4 (MANE Select); coding-DNA position 4345, A replaced by C.
Protein change: p.Ile1449Leu; replaces isoleucine 1449 with leucine.
Molecular consequence: missense variant.
Genome position (GRCh38, 1-based): chr2:189,011,718, A>C. VCF-style: chr2-189011718-A-C. GRCh37 (hg19) VCF-style: chr2-189876444-A-C.
Other names: short protein forms I1449L.
Identifiers: ClinVar variation 1049343 (VCV001049343.1), dbSNP rs2153504452, ClinGen allele CA349850388.